The following is an entry in ClinVar:

NM_003850.3(SUCLA2):c.268T>A (p.Leu90Ile)

Gene: SUCLA2 (succinate-CoA ligase ADP-forming subunit beta; minus strand). Cytogenetic location: 13q14.2.
Variant type: single nucleotide variant.
Coding change: c.268T>A on transcript NM_003850.3 (MANE Select); coding-DNA position 268, T replaced by A.
Protein change: p.Leu90Ile; replaces leucine 90 with isoleucine.
Molecular consequence: missense variant.
Genome position (GRCh38, 1-based): chr13:47,996,846, A>T on the plus strand (T>A on the coding strand, the complement: SUCLA2 is on the minus strand). VCF-style: chr13-47996846-A-T. GRCh37 (hg19) VCF-style: chr13-48570981-A-T.
Other names: p.L90I:TTA>ATA; short protein forms L90I.
Identifiers: ClinVar variation 203949 (VCV000203949.4), dbSNP rs149929505, ClinGen allele CA313006.

ClinVar aggregate classification (germline): Conflicting classifications of pathogenicity. Review status: criteria provided, conflicting classifications (1 of 4 stars). 3 submissions from 3 submitters: Uncertain significance (2); Likely benign (1). Last evaluated 2024-04-26.

Conditions:
Inborn genetic diseases. Identifiers: MedGen C0950123, MeSH D030342.
Mitochondrial DNA depletion syndrome, encephalomyopathic form with methylmalonic aciduria (MTDPS5). Also called: Mitochondrial encephalomyopathy aminoacidopathy; MITOCHONDRIAL DNA DEPLETION SYNDROME, ENCEPHALOMYOPATHIC FORM, WITH OR WITHOUT METHYLMALONIC ACIDURIA, AUTOSOMAL RECESSIVE, SUCLA2-RELATED; Mitochondrial DNA depletion syndrome 5 (encephalomyopathic with or without methylmalonic aciduria); SUCLA2-Related Mitochondrial DNA Depletion Syndrome, Encephalomyopathic Form with Methylmalonic Aciduria. Identifiers: Orphanet 1933, MedGen C5980207, MONDO:0012791, OMIM 612073.

Allele frequency attached by ClinVar (database versions not stated): ExAC 0.00002; gnomAD exomes 0.00002; TOPMed 0.00006; gnomAD 0.00007; ESP Exome Variant Server 0.00023.
gnomAD v4.1: 195 of 1,612,870 alleles (0.012%); highest among the groups gnomAD compares: Non-Finnish European, 0.016%; no homozygotes.

Submissions (3):

Ambry Genetics
Classification: Uncertain significance for Inborn genetic diseases. Last evaluated: 2024-04-26. Review status: criteria provided, single submitter. Criteria: Ambry Variant Classification Scheme 2023. Collection method: clinical testing. Allele origin: germline.

Labcorp Genetics (formerly Invitae), Labcorp
Classification: Uncertain significance for Mitochondrial DNA depletion syndrome, encephalomyopathic form with methylmalonic aciduria. Last evaluated: 2022-04-03. Review status: criteria provided, single submitter. Criteria: Invitae Variant Classification Sherloc (09022015). Collection method: clinical testing. Allele origin: germline.
Comment: This sequence change replaces leucine, which is neutral and non-polar, with isoleucine, which is neutral and non-polar, at codon 90 of the SUCLA2 protein (p.Leu90Ile). This variant is present in population databases (rs149929505, gnomAD 0.006%). This variant has not been reported in the literature in individuals affected with SUCLA2-related conditions. ClinVar contains an entry for this variant (Variation ID: 203949). Algorithms developed to predict the effect of missense changes on protein structure and function (SIFT, PolyPhen-2, Align-GVGD) all suggest that this variant is likely to be tolerated. In summary, the available evidence is currently insufficient to determine the role of this variant in disease. Therefore, it has been classified as a Variant of Uncertain Significance.

GeneDx
Classification: Likely benign. Last evaluated: 2013-04-08. Review status: criteria provided, single submitter. Criteria: GeneDx Variant Classification (06012015). Collection method: clinical testing. Allele origin: germline. Affected: yes.
Comment: This variant is considered likely benign or benign based on one or more of the following criteria: it is a conservative change, it occurs at a poorly conserved position in the protein, it is predicted to be benign by multiple in silico algorithms, and/or has population frequency not consistent with disease.